The following is an entry in ClinVar:

NM_001927.4(DES):c.869C>A (p.Ser290Tyr)

Gene: DES (desmin; plus strand). Cytogenetic location: 2q35.
Variant type: single nucleotide variant.
Coding change: c.869C>A on transcript NM_001927.4 (MANE Select); coding-DNA position 869, C replaced by A.
Protein change: p.Ser290Tyr; replaces serine 290 with tyrosine.
Molecular consequence: missense variant.
Genome position (GRCh38, 1-based): chr2:219,420,628, C>A. VCF-style: chr2-219420628-C-A. GRCh37 (hg19) VCF-style: chr2-220285350-C-A.
Other names: c.869C>A (LRG_380t1); short protein forms S290Y.
Identifiers: ClinVar variation 660031 (VCV000660031.9), dbSNP rs981782522, ClinGen allele CA65982804.

ClinVar aggregate classification (germline): Uncertain significance. Review status: criteria provided, multiple submitters, no conflicts (2 of 4 stars). 3 submissions from 3 submitters: Uncertain significance (3). Last evaluated 2026-02-01.

Conditions:
Cardiovascular phenotype. Identifiers: MedGen CN230736.
Desmin-related myofibrillar myopathy (MFM1). Also called: Desminopathy; MYOFIBRILLAR MYOPATHY WITH ARRHYTHMOGENIC RIGHT VENTRICULAR CARDIOMYOPATHY; DESMIN-RELATED MYOPATHY WITH ARRHYTHMOGENIC RIGHT VENTRICULAR CARDIOMYOPATHY; Myofibrillar myopathy 1; Desmin related myopathy (former name); Desmin storage myopathy (former name). Identifiers: Orphanet 363543, Orphanet 98909, MedGen C1832370, MONDO:0011076, OMIM 601419.

Allele frequency attached by ClinVar (database versions not stated): TOPMed 0.00001; gnomAD exomes 0.00002.

Submissions (3):

Labcorp Genetics (formerly Invitae), Labcorp
Classification: Uncertain significance for Desmin-related myofibrillar myopathy. Last evaluated: 2026-02-01. Review status: criteria provided, single submitter. Criteria: Invitae Variant Classification Sherloc (09022015). Collection method: clinical testing. Allele origin: germline.
Comment: This sequence change replaces serine, which is neutral and polar, with tyrosine, which is neutral and polar, at codon 290 of the DES protein (p.Ser290Tyr). This variant is not present in population databases (gnomAD no frequency). This missense change has been observed in individual(s) with dilated cardiomyopathy (PMID: 31983221, 37652022). ClinVar contains an entry for this variant (Variation ID: 660031). Invitae Evidence Modeling of protein sequence and biophysical properties (such as structural, functional, and spatial information, amino acid conservation, physicochemical variation, residue mobility, and thermodynamic stability) has been performed for this missense variant. However, the output from this modeling did not meet the statistical confidence thresholds required to predict the impact of this variant on DES protein function. In summary, the available evidence is currently insufficient to determine the role of this variant in disease. Therefore, it has been classified as a Variant of Uncertain Significance.

Ambry Genetics
Classification: Uncertain significance for Cardiovascular phenotype. Last evaluated: 2025-02-21. Review status: criteria provided, single submitter. Criteria: Ambry Variant Classification Scheme 2023. Collection method: clinical testing. Allele origin: germline.
Comment: The p.S290Y variant (also known as c.869C>A), located in coding exon 4 of the DES gene, results from a C to A substitution at nucleotide position 869. The serine at codon 290 is replaced by tyrosine, an amino acid with dissimilar properties. This variant was reported in individual(s) with features consistent with dilated cardiomyopathy (DCM) (Mazzarotto F et al. Circulation, 2020 Feb;141:387-398). This amino acid position is not well conserved in available vertebrate species. In addition, the in silico prediction for this alteration is inconclusive. Based on the available evidence, the clinical significance of this variant remains unclear.

Molecular Diagnostic Laboratory for Inherited Cardiovascular Disease, Montreal Heart Institute
Classification: Uncertain significance. Last evaluated: 2019-09-12. Review status: criteria provided, single submitter. Criteria: ACMG Guidelines, 2015. Collection method: clinical testing. Allele origin: germline. Affected: yes.

Literature cited by the submitters: PubMed 31983221 (cited by Labcorp Genetics (formerly Invitae), Labcorp and Ambry Genetics); PubMed 37652022 (cited by Labcorp Genetics (formerly Invitae), Labcorp).